The following is an entry in ClinVar:

ClinVar aggregate classification (germline): Uncertain significance (1 of 4 stars; one submission).

Submission:

CeGaT Center for Human Genetics Tuebingen
Classification: Uncertain significance. Last evaluated: 2025-09-01. Review status: criteria provided, single submitter. Criteria: CeGaT Center For Human Genetics Tuebingen Variant Classification Criteria Version 2. Collection method: clinical testing. Allele origin: germline. Affected: yes. Observed: 1 variant allele.
Comment: LINGO1: PM2, PP3

NM_032808.7(LINGO1):c.1472A>G (p.Asp491Gly)

Gene: LINGO1 (leucine rich repeat and Ig domain containing 1; minus strand). Cytogenetic location: 15q24.3.
Variant type: single nucleotide variant.
Coding change: c.1472A>G on transcript NM_032808.7 (MANE Select); coding-DNA position 1472, A replaced by G.
Protein change: p.Asp491Gly; replaces aspartic acid 491 with glycine.
Molecular consequence: missense variant.
Genome position (GRCh38, 1-based): chr15:77,614,435, T>C on the plus strand (A>G on the coding strand, the complement: LINGO1 is on the minus strand). VCF-style: chr15-77614435-T-C. GRCh37 (hg19) VCF-style: chr15-77906777-T-C.
Other names: c.1454A>G, p.Asp485Gly (NM_001301186.2, NM_001301187.2, NM_001301189.2 and 8 more transcripts); short protein forms D485G, D491G.
Identifiers: ClinVar variation 4281269 (VCV004281269.7).